The following is an entry in ClinVar:

ClinVar aggregate classification (germline): Conflicting classifications of pathogenicity. Review status: criteria provided, conflicting classifications (1 of 4 stars). 2 submissions from 2 submitters: Pathogenic (1); Uncertain significance (1). Last evaluated 2026-02-05.

Conditions:
Hereditary cancer-predisposing syndrome. Also called: Hereditary Cancer Syndrome; Tumor predisposition; Neoplastic Syndromes, Hereditary; Hereditary neoplastic syndrome. Identifiers: Orphanet 140162, MedGen C0027672, MeSH D009386, MONDO:0015356.

Submissions (2):

Ambry Genetics
Classification: Uncertain significance for Hereditary cancer-predisposing syndrome. Last evaluated: 2026-02-05. Review status: criteria provided, single submitter. Criteria: Ambry Variant Classification Scheme 2023. Collection method: clinical testing. Allele origin: germline.
Comment: The c.4647delC variant, located in coding exon 36 of the POLE gene, results from a deletion of one nucleotide at nucleotide position 4647, causing a translational frameshift with a predicted alternate stop codon (p.K1550Nfs*12). This alteration is expected to result in loss of function by premature protein truncation or nonsense-mediated mRNA decay. Although biallelic loss of function of POLE has been associated with autosomal recessive POLE deficiency, haploinsufficiency of POLE has not been established as a mechanism of disease for POLE-related polymerase proofreading-associated polyposis (PPAP) and POLE-related CMMRD-like syndrome. Based on the supporting evidence, this variant is expected to be causative of POLE deficiency when present along with a second pathogenic variant on the other allele; however, its clinical significance for PPAP and POLE-related CMMRD-like syndrome is unclear.

Labcorp Genetics (formerly Invitae), Labcorp
Classification: Pathogenic. Last evaluated: 2025-09-20. Review status: criteria provided, single submitter. Criteria: Invitae Variant Classification Sherloc (09022015). Collection method: clinical testing. Allele origin: germline.
Comment: This sequence change creates a premature translational stop signal (p.Lys1550Asnfs*12) in the POLE gene. It is expected to result in an absent or disrupted protein product. Loss-of-function variants in POLE are known to be pathogenic (PMID: 23230001, 25948378, 30503519). This variant is not present in population databases (gnomAD no frequency). This variant has not been reported in the literature in individuals affected with POLE-related conditions. ClinVar contains an entry for this variant (Variation ID: 825067). For these reasons, this variant has been classified as Pathogenic.

Literature cited by the submitters: PubMed 23230001 (cited by Labcorp Genetics (formerly Invitae), Labcorp); PubMed 25948378 (cited by Labcorp Genetics (formerly Invitae), Labcorp); PubMed 30503519 (cited by Labcorp Genetics (formerly Invitae), Labcorp).

NM_006231.4(POLE):c.4647del (p.Lys1550fs)

Gene: POLE (DNA polymerase epsilon, catalytic subunit; minus strand). Cytogenetic location: 12q24.33.
Variant type: Deletion.
Coding change: c.4647del on transcript NM_006231.4 (MANE Select); coding-DNA position 4647, one base deleted (C; older notation c.4647delC).
Protein change: p.Lys1550fs; shifts the reading frame from lysine 1550.
Molecular consequence: frameshift variant.
Genome position (GRCh38, 1-based): chr12:132,642,901, G deleted on the plus strand (C on the coding strand, the reverse complement: POLE is on the minus strand); the first of 6 consecutive G bases (chr12:132,642,901-132,642,906); deleting any one gives the same sequence. VCF-style (leftmost placement, unchanged base first): chr12-132642900-TG-T. GRCh37 (hg19) VCF-style: chr12-133219486-TG-T.
Other names: short protein forms K1550fs.
Identifiers: ClinVar variation 825067 (VCV000825067.14), dbSNP rs754220952, ClinGen allele CA915946819.